The following is an entry in ClinVar:

NM_003072.5(SMARCA4):c.4838G>A (p.Arg1613Gln)

Gene: SMARCA4 (SWI/SNF related BAF chromatin remodeling complex subunit ATPase 4; plus strand). Cytogenetic location: 19p13.2.
Variant type: single nucleotide variant.
Coding change: c.4838G>A on transcript NM_003072.5 (MANE Select); coding-DNA position 4838, G replaced by A.
Protein change: p.Arg1613Gln; replaces arginine 1613 with glutamine.
Molecular consequence: missense variant. On other transcripts: non-coding transcript variant (1).
Genome position (GRCh38, 1-based): chr19:11,060,114, G>A. VCF-style: chr19-11060114-G-A. GRCh37 (hg19) VCF-style: chr19-11170790-G-A.
Other names: c.4838G>A, p.Arg1613Gln (NM_001128844.3); c.4748G>A, p.Arg1583Gln (NM_001128845.2); c.4745G>A, p.Arg1582Gln (NM_001128846.2); c.4739G>A, p.Arg1580Gln (NM_001128847.4, NM_001374457.1); c.4736G>A, p.Arg1579Gln (NM_001128848.2); c.4934G>A, p.Arg1645Gln (NM_001128849.3, NM_001387283.1); short protein forms R1645Q, R1580Q, R1582Q, R1613Q, R1579Q, R1583Q.
Identifiers: ClinVar variation 568749 (VCV000568749.14), dbSNP rs1568565957, ClinGen allele CA404080654.

ClinVar aggregate classification (germline): Uncertain significance. Review status: criteria provided, multiple submitters, no conflicts (2 of 4 stars). 2 submissions from 2 submitters: Uncertain significance (2). Last evaluated 2025-11-25.

Conditions:
Rhabdoid tumor predisposition syndrome 2 (RTPS2). Identifiers: Orphanet 231108, Orphanet 69077, MedGen C2750074, MONDO:0013224, OMIM 613325.
Hereditary cancer-predisposing syndrome. Also called: Neoplastic Syndromes, Hereditary; Tumor predisposition; Hereditary neoplastic syndrome; Hereditary Cancer Syndrome. Identifiers: Orphanet 140162, MedGen C0027672, MeSH D009386, MONDO:0015356.

Allele frequency attached by ClinVar (database versions not stated): gnomAD exomes below 0.00001.
gnomAD v4.1: 5 of 1,551,072 alleles (0.00032%); highest among the groups gnomAD compares: East Asian, 0.0024%; no homozygotes.

Submissions (2):

Labcorp Genetics (formerly Invitae), Labcorp
Classification: Uncertain significance for Rhabdoid tumor predisposition syndrome 2. Last evaluated: 2025-11-25. Review status: criteria provided, single submitter. Criteria: Invitae Variant Classification Sherloc (09022015). Collection method: clinical testing. Allele origin: germline.
Comment: This sequence change replaces arginine, which is basic and polar, with glutamine, which is neutral and polar, at codon 1645 of the SMARCA4 protein (p.Arg1645Gln). This variant is not present in population databases (gnomAD no frequency). This missense change has been observed in individual(s) with neurodevelopmental disorders (PMID: 37500730). ClinVar contains an entry for this variant (Variation ID: 568749). Invitae Evidence Modeling of protein sequence and biophysical properties (such as structural, functional, and spatial information, amino acid conservation, physicochemical variation, residue mobility, and thermodynamic stability) indicates that this missense variant is not expected to disrupt SMARCA4 protein function with a negative predictive value of 95%. In summary, the available evidence is currently insufficient to determine the role of this variant in disease. Therefore, it has been classified as a Variant of Uncertain Significance.

Ambry Genetics
Classification: Uncertain significance for Hereditary cancer-predisposing syndrome. Last evaluated: 2024-11-15. Review status: criteria provided, single submitter. Criteria: Ambry Variant Classification Scheme 2023. Collection method: clinical testing. Allele origin: germline.
Comment: The p.R1645Q variant (also known as c.4934G>A), located in coding exon 34 of the SMARCA4 gene, results from a G to A substitution at nucleotide position 4934. The arginine at codon 1645 is replaced by glutamine, an amino acid with highly similar properties. This amino acid position is well conserved in available vertebrate species; however, glutamine is the reference amino acid in other vertebrate species. In addition, this alteration is predicted to be tolerated by in silico analysis. Based on the available evidence, the clinical significance of this variant remains unclear.

Literature cited by the submitters: PubMed 37500730 (cited by Labcorp Genetics (formerly Invitae), Labcorp).